The following is an entry in ClinVar:

ClinVar aggregate classification (germline): Uncertain significance. Review status: criteria provided, multiple submitters, no conflicts (2 of 4 stars). 4 submissions from 4 submitters: Uncertain significance (3). 1 of the submissions does not count toward it. Last evaluated 2024-10-19.

Conditions:
Cardiovascular phenotype. Identifiers: MedGen CN230736.
Glycogen storage disease, type II (IOPD). Also called: Glucosidase acid-1,4-alpha deficiency; CARDIOMEGALIA GLYCOGENICA DIFFUSA; GLYCOGENOSIS, GENERALIZED, CARDIAC FORM; GSD II; POMPE DISEASE, INFANTILE-ONSET; GLYCOGEN STORAGE DISEASE II, INFANTILE-ONSET. Identifiers: Orphanet 365, MedGen C0017921, MONDO:0009290, OMIM 232300.

Allele frequency attached by ClinVar (database versions not stated): TOPMed 0.00002.

Submissions (4):

Ambry Genetics
Classification: Uncertain significance for Cardiovascular phenotype. Last evaluated: 2024-10-19. Review status: criteria provided, single submitter. Criteria: Ambry Variant Classification Scheme 2023. Collection method: clinical testing. Allele origin: germline.
Comment: The p.V357F variant (also known as c.1069G>T), located in coding exon 5 of the GAA gene, results from a G to T substitution at nucleotide position 1069. The valine at codon 357 is replaced by phenylalanine, an amino acid with highly similar properties. This amino acid position is conserved. In addition, this alteration is predicted to be deleterious by in silico analysis. Since supporting evidence is limited at this time, the clinical significance of this alteration remains unclear.

Department of Pathology and Laboratory Medicine, Sinai Health System
Classification: Uncertain significance for Glycogen storage disease, type II. Last evaluated: 2023-04-18. Review status: criteria provided, single submitter. Criteria: ACMG Guidelines, 2015. Collection method: research. Allele origin: germline.

Labcorp Genetics (formerly Invitae), Labcorp
Classification: Uncertain significance for Glycogen storage disease, type II. Last evaluated: 2021-10-21. Review status: criteria provided, single submitter. Criteria: Invitae Variant Classification Sherloc (09022015). Collection method: clinical testing. Allele origin: germline.
Comment: This sequence change replaces valine with phenylalanine at codon 357 of the GAA protein (p.Val357Phe). The valine residue is moderately conserved and there is a small physicochemical difference between valine and phenylalanine. This variant is not present in population databases (ExAC no frequency). This variant has not been reported in the literature in individuals affected with GAA-related conditions. Algorithms developed to predict the effect of missense changes on protein structure and function are either unavailable or do not agree on the potential impact of this missense change (SIFT: "Deleterious"; PolyPhen-2: "Possibly Damaging"; Align-GVGD: "Class C0"). In summary, the available evidence is currently insufficient to determine the role of this variant in disease. Therefore, it has been classified as a Variant of Uncertain Significance.

Natera, Inc.
Classification: Uncertain significance for Glycogen storage disease type II. Last evaluated: 2020-01-24. Review status: no assertion criteria provided. Collection method: clinical testing. Allele origin: germline. Not counted in ClinVar's aggregate classification.

NM_000152.5(GAA):c.1069G>T (p.Val357Phe)

Gene: GAA (alpha glucosidase; plus strand). Cytogenetic location: 17q25.3.
Variant type: single nucleotide variant.
Coding change: c.1069G>T on transcript NM_000152.5 (MANE Select); coding-DNA position 1069, G replaced by T.
Protein change: p.Val357Phe; replaces valine 357 with phenylalanine.
Molecular consequence: missense variant.
Genome position (GRCh38, 1-based): chr17:80,108,403, G>T. VCF-style: chr17-80108403-G-T. GRCh37 (hg19) VCF-style: chr17-78082202-G-T.
Other names: c.1069G>T, p.Val357Phe (NM_001079803.3, NM_001079804.3); short protein forms V357F.
Identifiers: ClinVar variation 188479 (VCV000188479.10), dbSNP rs754449703, ClinGen allele CA198782.
Genomic context (GRCh38, chr17:80,108,403, plus strand): 5'-CTGGATGTCTACATCTTCCTGGGCCCAGAGCCCAAGAGCGTGGTGCAGCAGTACCTGGAC[G>T]TTGTGGGTAGGGCCTGCTCCCTGGCCGCGGCCCCCGCCCCAAGGCTCCCTCCTCCCTCCC-3'
Protein context (NP_000143.2, residues 347-367): PKSVVQQYLD[Val357Phe]VGYPFMPPYW